The following is an entry in ClinVar:

ClinVar aggregate classification (germline): Benign (1 of 4 stars; one submission).

Conditions:
Hypohidrotic ectodermal dysplasia (HED). Identifiers: Orphanet 238468, MedGen C5848103, MONDO:0016535, HP:0007607.

Allele frequency attached by ClinVar (database versions not stated): gnomAD exomes 0.00093 and 0.00186; ExAC 0.00220; gnomAD 0.00004 and 0.00052; TOPMed 0.00011; 1000 Genomes Project 0.00339; 1000 Genomes Project 30x 0.00344.
gnomAD v4.1: 1,447 of 1,612,508 alleles (0.09%); highest among the groups gnomAD compares: South Asian, 1.5%; 22 homozygotes.

Submission:

Illumina Laboratory Services, Illumina
Classification: Benign for Hypohidrotic ectodermal dysplasia. Last evaluated: 2018-01-13. Review status: criteria provided, single submitter. Criteria: ICSL Variant Classification Criteria 13 December 2019. Collection method: clinical testing. Allele origin: germline.
Comment: This variant was observed in the ICSL laboratory as part of a predisposition screen in an ostensibly healthy population. It had not been previously curated by ICSL or reported in the Human Gene Mutation Database (HGMD: prior to June 1st, 2018), and was therefore a candidate for classification through an automated scoring system. Utilizing variant allele frequency, disease prevalence and penetrance estimates, and inheritance mode, an automated score was calculated to assess if this variant is too frequent to cause the disease. Based on the score and internal cut-off values, a variant classified as benign is not then subjected to further curation. The score for this variant resulted in a classification of benign for this disease.

NM_022336.4(EDAR):c.-18-14C>T

Genes: EDAR (ectodysplasin A receptor; minus strand), RANBP2 (RAN binding protein 2; plus strand). Cytogenetic location: 2q13.
Variant type: single nucleotide variant.
Coding change: c.-18-14C>T on transcript NM_022336.4 (MANE Select); 14 bases into the intron before 18 bases upstream of the start codon, C replaced by T.
Molecular consequence: intron variant.
Genome position (GRCh38, 1-based): chr2:108,931,046, G>A on the plus strand (C>T on the coding strand, the complement: EDAR is on the minus strand). VCF-style: chr2-108931046-G-A. GRCh37 (hg19) VCF-style: chr2-109547502-G-A.
Identifiers: ClinVar variation 894564 (VCV000894564.4), dbSNP rs532111960, ClinGen allele CA1825270.